The following is an entry in ClinVar:

ClinVar aggregate classification (germline): Uncertain significance (1 of 4 stars; one submission).

gnomAD v4.1: 3 of 1,614,118 alleles (0.00019%); highest among the groups gnomAD compares: South Asian, 0.0011%; no homozygotes.

Submission:

Labcorp Genetics (formerly Invitae), Labcorp
Classification: Uncertain significance. Last evaluated: 2023-08-04. Review status: criteria provided, single submitter. Criteria: Invitae Variant Classification Sherloc (09022015). Collection method: clinical testing. Allele origin: germline.
Comment: ClinVar contains an entry for this variant (Variation ID: 2101222). This sequence change replaces aspartic acid, which is acidic and polar, with valine, which is neutral and non-polar, at codon 1072 of the RP1 protein (p.Asp1072Val). This variant is present in population databases (rs756775228, gnomAD 0.003%). This variant has not been reported in the literature in individuals affected with RP1-related conditions. An algorithm developed to predict the effect of missense changes on protein structure and function (PolyPhen-2) suggests that this variant is likely to be disruptive. In summary, the available evidence is currently insufficient to determine the role of this variant in disease. Therefore, it has been classified as a Variant of Uncertain Significance.

NM_006269.2(RP1):c.3215A>T (p.Asp1072Val)

Gene: RP1 (RP1 axonemal microtubule associated; plus strand). Cytogenetic location: 8q12.1.
Variant type: single nucleotide variant.
Coding change: c.3215A>T on transcript NM_006269.2 (MANE Select); coding-DNA position 3215, A replaced by T.
Protein change: p.Asp1072Val; replaces aspartic acid 1072 with valine.
Molecular consequence: missense variant. On other transcripts: intron variant (1).
Genome position (GRCh38, 1-based): chr8:54,627,097, A>T. VCF-style: chr8-54627097-A-T. GRCh37 (hg19) VCF-style: chr8-55539657-A-T.
Other names: c.787+4809A>T (NM_001375654.1); short protein forms D1072V.
Identifiers: ClinVar variation 2101222 (VCV002101222.4), dbSNP rs756775228, ClinGen allele CA4751660.
Genomic context (GRCh38, chr8:54,627,097, plus strand): 5'-TTTACCAGGAAATAAACCTAGCTAGAAAAAGGCAAAGTGTAGAGGCTGCCATTCAAGTAG[A>T]TCCTATAGAAGAGGAAACTCCAAAAGACCTCTTACCAGTCCTGATGCTTCACCAATTGCA-3'
Protein context (NP_006260.1, residues 1062-1082): RQSVEAAIQV[Asp1072Val]PIEEETPKDL